The following is an entry in ClinVar:

NM_005188.4(CBL):c.1472C>T (p.Ala491Val)

Gene: CBL (Cbl proto-oncogene; plus strand). Cytogenetic location: 11q23.3.
Variant type: single nucleotide variant.
Coding change: c.1472C>T on transcript NM_005188.4 (MANE Select); coding-DNA position 1472, C replaced by T.
Protein change: p.Ala491Val; replaces alanine 491 with valine.
Molecular consequence: missense variant.
Genome position (GRCh38, 1-based): chr11:119,285,009, C>T. VCF-style: chr11-119285009-C-T. GRCh37 (hg19) VCF-style: chr11-119155719-C-T.
Other names: short protein forms A491V.
Identifiers: ClinVar variation 3224644 (VCV003224644.1), dbSNP rs2135309995, ClinGen allele CA382917950.

ClinVar aggregate classification (germline): Uncertain significance (1 of 4 stars; one submission).

Conditions:
Cardiovascular phenotype. Identifiers: MedGen CN230736.

Submission:

Ambry Genetics
Classification: Uncertain significance for Cardiovascular phenotype. Last evaluated: 2023-09-24. Review status: criteria provided, single submitter. Criteria: Ambry Variant Classification Scheme 2023. Collection method: clinical testing. Allele origin: germline.
Comment: The p.A491V variant (also known as c.1472C>T), located in coding exon 10 of the CBL gene, results from a C to T substitution at nucleotide position 1472. The alanine at codon 491 is replaced by valine, an amino acid with similar properties. This amino acid position is conserved. In addition, the in silico prediction for this alteration is inconclusive. Since supporting evidence is limited at this time, the clinical significance of this alteration remains unclear.